The following is an entry in ClinVar:

ClinVar aggregate classification (germline): Uncertain significance. Review status: criteria provided, multiple submitters, no conflicts (2 of 4 stars). 3 submissions from 3 submitters: Uncertain significance (3). Last evaluated 2023-12-07.

Conditions:
Microcephalic primordial dwarfism, Alazami type. Also called: FACIAL DYSMORPHISM, INTELLECTUAL DISABILITY, AND PRIMORDIAL DWARFISM; Alazami syndrome. Identifiers: Orphanet 319671, MedGen C3554439, MONDO:0014031, OMIM 615071.

Allele frequency attached by ClinVar (database versions not stated): ExAC 0.00002; gnomAD exomes 0.00002; TOPMed 0.00002; gnomAD 0.00003.

Submissions (3):

Labcorp Genetics (formerly Invitae), Labcorp
Classification: Uncertain significance. Last evaluated: 2023-12-07. Review status: criteria provided, single submitter. Criteria: Invitae Variant Classification Sherloc (09022015). Collection method: clinical testing. Allele origin: germline.
Comment: This variant, c.649_651del, results in the deletion of 1 amino acid(s) of the LARP7 protein (p.Glu217del), but otherwise preserves the integrity of the reading frame. The frequency data for this variant in the population databases is considered unreliable, as metrics indicate poor data quality at this position in the gnomAD database. This variant has not been reported in the literature in individuals affected with LARP7-related conditions. Experimental studies and prediction algorithms are not available or were not evaluated, and the functional significance of this variant is currently unknown. In summary, the available evidence is currently insufficient to determine the role of this variant in disease. Therefore, it has been classified as a Variant of Uncertain Significance.

Breakthrough Genomics
Classification: Uncertain significance. Review status: criteria provided, single submitter. Criteria: ACMG Guidelines, 2015. Collection method: not provided. Allele origin: germline. Inheritance: Autosomal recessive inheritance. Affected: yes.

Juno Genomics, Hangzhou Juno Genomics, Inc
Classification: Uncertain significance for Microcephalic primordial dwarfism, Alazami type. Review status: criteria provided, single submitter. Criteria: ACMG Guidelines, 2015. Collection method: clinical testing. Allele origin: germline.
Comment: Absent from controls (or at extremely low frequency if recessive) in Genome Aggregation Database.;Protein length changes due to in-frame deletions/insertions in a non-repeat region or stop-loss variants.

NM_016648.4(LARP7):c.649_651del (p.Glu217del)

Genes: LARP7 (La ribonucleoprotein 7, transcriptional regulator; plus strand), MIR302CHG (miR-302/367 cluster host gene; minus strand). Cytogenetic location: 4q25.
Variant type: Deletion.
Coding change: c.649_651del on transcript NM_016648.4 (MANE Select); coding-DNA positions 649 to 651, 3 bases deleted (GAG; older notation c.649_651delGAG).
Protein change: p.Glu217del; deletes glutamic acid 217.
Molecular consequence: inframe deletion. On other transcripts: splice acceptor variant (4).
Genome position (GRCh38, 1-based): chr4:112,647,201-112,647,203, GAG deleted. VCF-style (leftmost placement, unchanged base first): chr4-112647200-AGAG-A. GRCh37 (hg19) VCF-style: chr4-113568356-AGAG-A.
Other names: c.649_651del, p.Glu217del (NM_001267039.4, NM_001370974.1, NM_001370975.1 and 2 more transcripts); c.412_414del, p.Glu138del (NM_001370981.1, NM_001370982.1); c.647-1_648del (NM_001370976.1, NM_001370979.1, NM_001370977.1 and 1 more transcripts); short protein forms E138del, E217del.
Identifiers: ClinVar variation 2889061 (VCV002889061.4), dbSNP rs778422840, ClinGen allele CA3049223.
Genomic context (GRCh38, chr4:112,647,200, plus strand): 5'-CAATATTTAAATAGGTGTAGTTGAAGTAAGATGAACTAATAATGATGGCACTTTTACAGA[AGAG>A]AAGAAAAAGAAAAAGAAGAAGAAAGGCCGAATGAAAAAGGAAGACAATATCCAAGCCAAA-3'